The following is an entry in ClinVar:

ClinVar aggregate classification (germline): Conflicting classifications of pathogenicity. Review status: criteria provided, conflicting classifications (1 of 4 stars). 4 submissions from 4 submitters: Uncertain significance (1); Benign (1); Likely benign (2). Last evaluated 2025-12-31.

Conditions:
Congenital muscular dystrophy due to integrin alpha-7 deficiency. Also called: MYOPATHY, CONGENITAL, DUE TO INTEGRIN ALPHA-7 DEFICIENCY; Congenital muscular dystrophy with integrin alpha-7 deficiency; Muscular dystrophy, congenital, due to ITGA7 deficiency. Identifiers: Orphanet 34520, MedGen C2750786, MONDO:0013177, OMIM 613204.

Allele frequency attached by ClinVar (database versions not stated): gnomAD exomes 0.00031 and 0.00062; ExAC 0.00076; ESP Exome Variant Server 0.00169; gnomAD 0.00194 and 0.00207; TOPMed 0.00198; 1000 Genomes Project 0.00260; 1000 Genomes Project 30x 0.00281.

Submissions (4):

Labcorp Genetics (formerly Invitae), Labcorp
Classification: Benign for Congenital muscular dystrophy due to integrin alpha-7 deficiency. Last evaluated: 2025-12-31. Review status: criteria provided, single submitter. Criteria: Invitae Variant Classification Sherloc (09022015). Collection method: clinical testing. Allele origin: germline.

Blueprint Genetics
Classification: Likely benign. Last evaluated: 2024-09-16. Review status: criteria provided, single submitter. Criteria: ACMG Guidelines, 2015. Collection method: clinical testing. Allele origin: germline.

Baylor Genetics
Classification: Uncertain significance for Congenital muscular dystrophy due to integrin alpha-7 deficiency. Last evaluated: 2018-02-13. Review status: criteria provided, single submitter. Criteria: ACMG Guidelines, 2015. Collection method: clinical testing. Allele origin: maternal. Affected: yes.
Comment: This variant was determined to be of uncertain significance according to ACMG Guidelines, 2015 [PMID:25741868].

GeneDx
Classification: Likely benign. Last evaluated: 2018-01-04. Review status: criteria provided, single submitter. Criteria: GeneDx Variant Classification (06012015). Collection method: clinical testing. Allele origin: germline. Affected: yes.
Comment: This variant is considered likely benign or benign based on one or more of the following criteria: it is a conservative change, it occurs at a poorly conserved position in the protein, it is predicted to be benign by multiple in silico algorithms, and/or has population frequency not consistent with disease.

NM_002206.3(ITGA7):c.2958+16G>A

Gene: ITGA7 (integrin subunit alpha 7; minus strand). Cytogenetic location: 12q13.2.
Variant type: single nucleotide variant.
Coding change: c.2958+16G>A on transcript NM_002206.3 (MANE Select); 16 bases into the intron after coding-DNA position 2958, G replaced by A.
Molecular consequence: intron variant.
Genome position (GRCh38, 1-based): chr12:55,688,828, C>T on the plus strand (G>A on the coding strand, the complement: ITGA7 is on the minus strand). VCF-style: chr12-55688828-C-T. GRCh37 (hg19) VCF-style: chr12-56082612-C-T.
Other names: c.2679+16G>A (NM_001144997.2); c.2631+16G>A (NM_001367993.1); c.2619+16G>A (NM_001414035.1); c.2775+16G>A (NM_001414033.1); c.1614+16G>A (NM_001367994.1); c.2838+16G>A (NM_001414032.1); c.2871+16G>A (NM_001414031.1); c.2940+16G>A (NM_001374465.1); and 5 more.
Identifiers: ClinVar variation 389096 (VCV000389096.17), dbSNP rs200586885, ClinGen allele CA6615401.